The following is an entry in ClinVar:

ClinVar aggregate classification (germline): Uncertain significance (1 of 4 stars; one submission).

Conditions:
Cardiovascular phenotype. Identifiers: MedGen CN230736.

Submission:

Ambry Genetics
Classification: Uncertain significance for Cardiovascular phenotype. Last evaluated: 2021-06-16. Review status: criteria provided, single submitter. Criteria: Ambry Variant Classification Scheme 2023. Collection method: clinical testing. Allele origin: germline.
Comment: The p.F123Y variant (also known as c.368T>A), located in coding exon 3 of the SCN4B gene, results from a T to A substitution at nucleotide position 368. The phenylalanine at codon 123 is replaced by tyrosine, an amino acid with highly similar properties. This amino acid position is highly conserved in available vertebrate species. In addition, the in silico prediction for this alteration is inconclusive. Since supporting evidence is limited at this time, the clinical significance of this alteration remains unclear.

NM_174934.4(SCN4B):c.368T>A (p.Phe123Tyr)

Genes: SCN4B (sodium voltage-gated channel beta subunit 4; minus strand), LOC126861356 (BRD4-independent group 4 enhancer GRCh37_chr11:118014519-118015718; plus strand). Cytogenetic location: 11q23.3.
Variant type: single nucleotide variant.
Coding change: c.368T>A on transcript NM_174934.4 (MANE Select); coding-DNA position 368, T replaced by A.
Protein change: p.Phe123Tyr; replaces phenylalanine 123 with tyrosine.
Molecular consequence: missense variant. On other transcripts: intron variant (1).
Genome position (GRCh38, 1-based): chr11:118,143,928, A>T on the plus strand (T>A on the coding strand, the complement: SCN4B is on the minus strand). VCF-style: chr11-118143928-A-T. GRCh37 (hg19) VCF-style: chr11-118014643-A-T.
Other names: c.38T>A, p.Phe13Tyr (NM_001142349.2); c.62-2592T>A (NM_001142348.2); short protein forms F123Y, F13Y.
Identifiers: ClinVar variation 1733952 (VCV001733952.2), dbSNP rs2497563989, ClinGen allele CA382778133.